The following is an entry in ClinVar:

ClinVar aggregate classification (germline): Likely benign. Review status: criteria provided, single submitter (1 of 4 stars). 2 submissions from 2 submitters: Likely benign (1). 1 of the submissions does not count toward it. Last evaluated 2018-07-18.

Conditions:
DYNC2I2-related disorder. Also called: DYNC2I2-related condition.

Allele frequency attached by ClinVar (database versions not stated): gnomAD exomes 0.00009 and 0.00015; ExAC 0.00062; ESP Exome Variant Server 0.00066; 1000 Genomes Project 0.00140; gnomAD 0.00149 and 0.00158; 1000 Genomes Project 30x 0.00172; TOPMed 0.00183.

Submissions (2):

Labcorp Genetics (formerly Invitae), Labcorp
Classification: Likely benign. Last evaluated: 2018-07-18. Review status: criteria provided, single submitter. Criteria: Invitae Variant Classification Sherloc (09022015). Collection method: clinical testing. Allele origin: germline.

PreventionGenetics, part of Exact Sciences
Classification: Likely benign for DYNC2I2-related condition. Last evaluated: 2024-08-24. Review status: no assertion criteria provided. Collection method: clinical testing. Allele origin: germline. Not counted in ClinVar's aggregate classification.
Comment: This variant is classified as likely benign based on ACMG/AMP sequence variant interpretation guidelines (Richards et al. 2015 PMID: 25741868, with internal and published modifications).

NM_052844.4(DYNC2I2):c.106G>T (p.Gly36Trp)

Gene: DYNC2I2 (dynein 2 intermediate chain 2; minus strand). Cytogenetic location: 9q34.11.
Variant type: single nucleotide variant.
Coding change: c.106G>T on transcript NM_052844.4 (MANE Select); coding-DNA position 106, G replaced by T.
Protein change: p.Gly36Trp; replaces glycine 36 with tryptophan.
Molecular consequence: missense variant.
Genome position (GRCh38, 1-based): chr9:128,656,621, C>A on the plus strand (G>T on the coding strand, the complement: DYNC2I2 is on the minus strand). VCF-style: chr9-128656621-C-A. GRCh37 (hg19) VCF-style: chr9-131418900-C-A.
Other names: short protein forms G36W.
Identifiers: ClinVar variation 746722 (VCV000746722.5), dbSNP rs370144441, ClinGen allele CA5266744.